The following is an entry in ClinVar:

NM_003183.6(ADAM17):c.1520C>T (p.Thr507Met)

Genes: ADAM17 (ADAM metallopeptidase domain 17; minus strand), IAH1 (isoamyl acetate hydrolyzing esterase 1 (putative); plus strand). Cytogenetic location: 2p25.1.
Variant type: single nucleotide variant.
Coding change: c.1520C>T on transcript NM_003183.6 (MANE Select); coding-DNA position 1520, C replaced by T.
Protein change: p.Thr507Met; replaces threonine 507 with methionine.
Molecular consequence: missense variant.
Genome position (GRCh38, 1-based): chr2:9,505,190, G>A on the plus strand (C>T on the coding strand, the complement: ADAM17 is on the minus strand). VCF-style: chr2-9505190-G-A. GRCh37 (hg19) VCF-style: chr2-9645319-G-A.
Other names: c.1520C>T, p.Thr507Met (LRG_1203t1); c.1520C>T (NM_003183.4); short protein forms T507M.
Identifiers: ClinVar variation 577592 (VCV000577592.7), dbSNP rs780454096, ClinGen allele CA1523488.
Genomic context (GRCh38, chr2:9,505,190, plus strand): 5'-CCAACTTCCCAAAATCCCTGTGGAGAGACTCCTCACCTGCACTGGACACCTTCCTTCAAC[G>A]TGCAGTCGCTGTTGCAGCAGGTGTCGTTGTTCAGATACATGATGCCAGGATCACACTCTT-3'
Protein context (NP_003174.3, residues 497-517): NNDTCCNSDC[Thr507Met]LKEGVQCSDR

ClinVar aggregate classification (germline): Uncertain significance. Review status: criteria provided, multiple submitters, no conflicts (2 of 4 stars). 2 submissions from 2 submitters: Uncertain significance (2). Last evaluated 2024-10-24.

Conditions:
Inborn genetic diseases. Identifiers: MedGen C0950123, MeSH D030342.
Inflammatory skin and bowel disease, neonatal, 1. Identifiers: Orphanet 294023, MedGen C3280501, MONDO:0013693, OMIM 614328.

Allele frequency attached by ClinVar (database versions not stated): ExAC 0.00002; gnomAD exomes 0.00002; gnomAD 0.00003; TOPMed 0.00003.
gnomAD v4.1: 28 of 1,614,032 alleles (0.0017%); highest among the groups gnomAD compares: East Asian, 0.013%; no homozygotes.

Submissions (2):

Labcorp Genetics (formerly Invitae), Labcorp
Classification: Uncertain significance for Inflammatory skin and bowel disease, neonatal, 1. Last evaluated: 2024-10-24. Review status: criteria provided, single submitter. Criteria: Invitae Variant Classification Sherloc (09022015). Collection method: clinical testing. Allele origin: germline.
Comment: This sequence change replaces threonine, which is neutral and polar, with methionine, which is neutral and non-polar, at codon 507 of the ADAM17 protein (p.Thr507Met). This variant is present in population databases (rs780454096, gnomAD 0.02%). This variant has not been reported in the literature in individuals affected with ADAM17-related conditions. ClinVar contains an entry for this variant (Variation ID: 577592). An algorithm developed to predict the effect of missense changes on protein structure and function outputs the following: PolyPhen-2: "Benign". The methionine amino acid residue is found in multiple mammalian species, which suggests that this missense change does not adversely affect protein function. In summary, the available evidence is currently insufficient to determine the role of this variant in disease. Therefore, it has been classified as a Variant of Uncertain Significance.

Ambry Genetics
Classification: Uncertain significance for Inborn genetic diseases. Last evaluated: 2024-05-26. Review status: criteria provided, single submitter. Criteria: Ambry Variant Classification Scheme 2023. Collection method: clinical testing. Allele origin: germline.